The following is an entry in ClinVar:

NM_002439.5(MSH3):c.1348G>T (p.Asp450Tyr)

Gene: MSH3 (mutS homolog 3; plus strand). Cytogenetic location: 5q14.1.
Variant type: single nucleotide variant.
Coding change: c.1348G>T on transcript NM_002439.5 (MANE Select); coding-DNA position 1348, G replaced by T.
Protein change: p.Asp450Tyr; replaces aspartic acid 450 with tyrosine.
Molecular consequence: missense variant.
Genome position (GRCh38, 1-based): chr5:80,725,460, G>T. VCF-style: chr5-80725460-G-T. GRCh37 (hg19) VCF-style: chr5-80021279-G-T.
Other names: short protein forms D450Y.
Identifiers: ClinVar variation 1510567 (VCV001510567.8), dbSNP rs1743268855, ClinGen allele CA360273352.

ClinVar aggregate classification (germline): Uncertain significance (1 of 4 stars; one submission).

Allele frequency attached by ClinVar (database versions not stated): gnomAD exomes below 0.00001.
gnomAD v4.1: 1 of 1,612,370 alleles (0.000062%); highest among the groups gnomAD compares: South Asian, 0.0011%; no homozygotes.

Submission:

Labcorp Genetics (formerly Invitae), Labcorp
Classification: Uncertain significance. Last evaluated: 2021-04-09. Review status: criteria provided, single submitter. Criteria: Invitae Variant Classification Sherloc (09022015). Collection method: clinical testing. Allele origin: germline.
Comment: Algorithms developed to predict the effect of missense changes on protein structure and function are either unavailable or do not agree on the potential impact of this missense change (SIFT: "Deleterious"; PolyPhen-2: "Benign"; Align-GVGD: "Class C15"). In summary, the available evidence is currently insufficient to determine the role of this variant in disease. Therefore, it has been classified as a Variant of Uncertain Significance. Algorithms developed to predict the effect of sequence changes on RNA splicing suggest that this variant may create or strengthen a splice site, but this prediction has not been confirmed by published transcriptional studies. This variant has not been reported in the literature in individuals with MSH3-related conditions. This variant is not present in population databases (ExAC no frequency). This sequence change replaces aspartic acid with tyrosine at codon 450 of the MSH3 protein (p.Asp450Tyr). The aspartic acid residue is moderately conserved and there is a large physicochemical difference between aspartic acid and tyrosine.